The following is an entry in ClinVar:

NM_145893.3(RBFOX1):c.84T>G (p.Ile28Met)

Gene: RBFOX1 (RNA binding fox-1 homolog 1; plus strand). Cytogenetic location: 16p13.3.
Variant type: single nucleotide variant.
Coding change: c.84T>G on transcript NM_145893.3 (MANE Plus Clinical); coding-DNA position 84, T replaced by G.
Protein change: p.Ile28Met; replaces isoleucine 28 with methionine.
Molecular consequence: missense variant. On other transcripts: intron variant (5).
Genome position (GRCh38, 1-based): chr16:7,333,085, T>G. VCF-style: chr16-7333085-T-G. GRCh37 (hg19) VCF-style: chr16-7383086-T-G.
Other names: c.84T>G, p.Ile28Met (NM_145891.3, NM_145892.3); c.28-185062T>G (NM_001364800.2, NM_018723.4, NM_001142333.2 and 1 more transcripts); c.157-185062T>G (NM_001308117.1); short protein forms I28M.
Identifiers: ClinVar variation 1014079 (VCV001014079.9), dbSNP rs766344856, ClinGen allele CA7891248.
Genomic context (GRCh38, chr16:7,333,085, plus strand): 5'-CCTGCATCCTTATGGCGTGCCTATGATTGTACCGGCAGCTCCTTACCTTCCTGGACTGAT[T>G]CAGGTAATTCAAGGCCTCTGCCAGCCAGCAACTTAACTCCAGAGTGCTCAGAGTAATAAT-3'
Protein context (NP_665900.1, residues 18-38): VPAAPYLPGL[Ile28Met]QGNQEAAAAP

ClinVar aggregate classification (germline): Uncertain significance (1 of 4 stars; one submission).

Conditions:
Idiopathic generalized epilepsy. Also called: Generalised epilepsy; EIG. Identifiers: MedGen C0270850, MONDO:0005579, OMIM 600669.

Allele frequency attached by ClinVar (database versions not stated): gnomAD 0.00002; gnomAD exomes 0.00002; TOPMed 0.00004.
gnomAD v4.1: 35 of 1,613,426 alleles (0.0022%); highest among the groups gnomAD compares: Non-Finnish European, 0.0029%; no homozygotes.

Submission:

Labcorp Genetics (formerly Invitae), Labcorp
Classification: Uncertain significance for Idiopathic generalized epilepsy. Last evaluated: 2024-07-08. Review status: criteria provided, single submitter. Criteria: Invitae Variant Classification Sherloc (09022015). Collection method: clinical testing. Allele origin: germline.
Comment: This sequence change replaces isoleucine, which is neutral and non-polar, with methionine, which is neutral and non-polar, at codon 28 of the RBFOX1 protein (p.Ile28Met). This variant is present in population databases (rs766344856, gnomAD 0.003%). This variant has not been reported in the literature in individuals affected with RBFOX1-related conditions. ClinVar contains an entry for this variant (Variation ID: 1014079). Algorithms developed to predict the effect of missense changes on protein structure and function output the following: SIFT: "Not Available"; PolyPhen-2: "Benign"; Align-GVGD: "Not Available". The methionine amino acid residue is found in multiple mammalian species, which suggests that this missense change does not adversely affect protein function. In summary, the available evidence is currently insufficient to determine the role of this variant in disease. Therefore, it has been classified as a Variant of Uncertain Significance.